The following is an entry in ClinVar:

ClinVar aggregate classification (germline): Uncertain significance (1 of 4 stars; one submission).

Submission:

Labcorp Genetics (formerly Invitae), Labcorp
Classification: Uncertain significance. Last evaluated: 2024-07-03. Review status: criteria provided, single submitter. Criteria: Invitae Variant Classification Sherloc (09022015). Collection method: clinical testing. Allele origin: germline.
Comment: This sequence change falls in intron 6 of the KIF20A gene. It does not directly change the encoded amino acid sequence of the KIF20A protein. It affects a nucleotide within the consensus splice site. This variant is present in population databases (rs770050745, gnomAD 0.01%). This variant has not been reported in the literature in individuals affected with KIF20A-related conditions. Variants that disrupt the consensus splice site are a relatively common cause of aberrant splicing (PMID: 17576681, 9536098). Algorithms developed to predict the effect of sequence changes on RNA splicing suggest that this variant is not likely to affect RNA splicing. In summary, the available evidence is currently insufficient to determine the role of this variant in disease. Therefore, it has been classified as a Variant of Uncertain Significance.

Literature cited by the submitters: PubMed 17576681; PubMed 9536098.

NM_005733.3(KIF20A):c.702+5A>G

Gene: KIF20A (kinesin family member 20A; plus strand). Cytogenetic location: 5q31.2.
Variant type: single nucleotide variant.
Coding change: c.702+5A>G on transcript NM_005733.3 (MANE Select); 5 bases into the intron after coding-DNA position 702, A replaced by G.
Molecular consequence: intron variant.
Genome position (GRCh38, 1-based): chr5:138,182,778, A>G. VCF-style: chr5-138182778-A-G. GRCh37 (hg19) VCF-style: chr5-137518467-A-G.
Identifiers: ClinVar variation 3621098 (VCV003621098.2).